The following is an entry in ClinVar:

NM_198994.3(TGM6):c.170C>T (p.Thr57Met)

Gene: TGM6 (transglutaminase 6; plus strand). Cytogenetic location: 20p13.
Variant type: single nucleotide variant.
Coding change: c.170C>T on transcript NM_198994.3 (MANE Select); coding-DNA position 170, C replaced by T.
Protein change: p.Thr57Met; replaces threonine 57 with methionine.
Molecular consequence: missense variant.
Genome position (GRCh38, 1-based): chr20:2,394,614, C>T. VCF-style: chr20-2394614-C-T. GRCh37 (hg19) VCF-style: chr20-2375260-C-T.
Other names: c.170C>T, p.Thr57Met (NM_001254734.2); c.170C>T (NM_198994.2); short protein forms T57M.
Identifiers: ClinVar variation 2179240 (VCV002179240.5), dbSNP rs374782327, ClinGen allele CA9731558.

ClinVar aggregate classification (germline): Conflicting classifications of pathogenicity. Review status: criteria provided, conflicting classifications (1 of 4 stars). 2 submissions from 2 submitters: Uncertain significance (1); Likely benign (1). Last evaluated 2025-01-01.

Conditions:
Inborn genetic diseases. Identifiers: MedGen C0950123, MeSH D030342.

Allele frequency attached by ClinVar (database versions not stated): gnomAD 0.00002; TOPMed 0.00005; ESP Exome Variant Server 0.00008.
gnomAD v4.1: 28 of 1,610,730 alleles (0.0017%); highest among the groups gnomAD compares: African/African-American, 0.008%; no homozygotes.

Submissions (2):

Ambry Genetics
Classification: Likely benign for Inborn genetic diseases. Last evaluated: 2025-01-01. Review status: criteria provided, single submitter. Criteria: Ambry Variant Classification Scheme 2023. Collection method: clinical testing. Allele origin: germline.

Labcorp Genetics (formerly Invitae), Labcorp
Classification: Uncertain significance. Last evaluated: 2022-09-02. Review status: criteria provided, single submitter. Criteria: Invitae Variant Classification Sherloc (09022015). Collection method: clinical testing. Allele origin: germline.
Comment: In summary, the available evidence is currently insufficient to determine the role of this variant in disease. Therefore, it has been classified as a Variant of Uncertain Significance. Advanced modeling of protein sequence and biophysical properties (such as structural, functional, and spatial information, amino acid conservation, physicochemical variation, residue mobility, and thermodynamic stability) performed at Invitae indicates that this missense variant is not expected to disrupt TGM6 protein function. This variant has not been reported in the literature in individuals affected with TGM6-related conditions. The frequency data for this variant in the population databases is considered unreliable, as metrics indicate poor data quality at this position in the gnomAD database. This sequence change replaces threonine, which is neutral and polar, with methionine, which is neutral and non-polar, at codon 57 of the TGM6 protein (p.Thr57Met).